The following is an entry in ClinVar:

NM_152564.5(VPS13B):c.11957T>A (p.Met3986Lys)

Gene: VPS13B (vacuolar protein sorting 13 homolog B; plus strand). Cytogenetic location: 8q22.2.
Variant type: single nucleotide variant.
Coding change: c.11957T>A on transcript NM_152564.5 (MANE Select); coding-DNA position 11957, T replaced by A.
Protein change: p.Met3986Lys; replaces methionine 3986 with lysine.
Molecular consequence: missense variant.
Genome position (GRCh38, 1-based): chr8:99,875,629, T>A. VCF-style: chr8-99875629-T-A. GRCh37 (hg19) VCF-style: chr8-100887857-T-A.
Other names: c.12032T>A, p.Met4011Lys (NM_017890.5); short protein forms M3986K, M4011K.
Identifiers: ClinVar variation 2500110 (VCV002500110.1), dbSNP rs771731368, ClinGen allele CA371796188.

ClinVar aggregate classification (germline): Uncertain significance (1 of 4 stars; one submission).

Conditions:
Cohen syndrome (COH1). Also called: PEPPER SYNDROME; Cutis verticis gyrata, retinitis pigmentosa, and sensorineural deafness. Identifiers: Orphanet 193, MedGen C0265223, MONDO:0008999, OMIM 216550.

Submission:

Center for Genomics, Ann and Robert H. Lurie Children's Hospital of Chicago
Classification: Uncertain significance for Cohen syndrome. Last evaluated: 2022-03-18. Review status: criteria provided, single submitter. Criteria: ACMG Guidelines, 2015. Collection method: clinical testing. Allele origin: germline.
Comment: This variant has not been reported in the literature and is not present in large control databases. Splice prediction tools suggest that this variant may affect splicing. However, further studies are needed to understand its impact. In summary, data on this variant is insufficient for disease classification. Therefore, the clinical significance of this variant is uncertain.